The following is an entry in ClinVar:

ClinVar aggregate classification (germline): Likely benign (1 of 4 stars; one submission).

Conditions:
Malignant hyperthermia, susceptibility to, 1 (MHS1). Also called: Anesthesia related hyperthermia; Malignant hyperpyrexia; Fulminating hyperpyrexia; Pharmacogenic myopathy; Malignant hyperthermia suceptibility 1; RYR1-Related Malignant Hyperthermia Susceptibility. Identifiers: Orphanet 423, MedGen C2930980, MONDO:0007783, OMIM 145600.

Submission:

All of Us Research Program, National Institutes of Health
Classification: Likely benign for Malignant hyperthermia, susceptibility to, 1. Last evaluated: 2024-02-22. Review status: criteria provided, single submitter. Criteria: ACMG Guidelines, 2015. Collection method: clinical testing. Allele origin: germline. Inheritance: Autosomal dominant inheritance. Observed: 1 variant allele, 1 heterozygote.
Comment: This study involves interpretation of variants in research participants for the purpose of population health screening. Participant phenotype was not available at the time of variant classification. Additional details can be found in publication PMID: 35346344, PMCID: PMC8962531

NM_000540.3(RYR1):c.9885C>A (p.Ala3295=)

Gene: RYR1 (ryanodine receptor 1; plus strand). Cytogenetic location: 19q13.2.
Variant type: single nucleotide variant.
Coding change: c.9885C>A on transcript NM_000540.3 (MANE Select); coding-DNA position 9885, C replaced by A.
Protein change: p.Ala3295=; no amino-acid change (alanine 3295 retained).
Molecular consequence: synonymous variant.
Genome position (GRCh38, 1-based): chr19:38,517,558, C>A. VCF-style: chr19-38517558-C-A. GRCh37 (hg19) VCF-style: chr19-39008198-C-A.
Other names: c.9885C>A, p.Ala3295= (NM_001042723.2).
Identifiers: ClinVar variation 3385514 (VCV003385514.1).